The following is an entry in ClinVar:

ClinVar aggregate classification (germline): Uncertain significance (1 of 4 stars; one submission).

Conditions:
Birt-Hogg-Dube syndrome. Also called: Birt Hogg Dubé syndrome. Identifiers: Orphanet 122, MedGen C0346010, MONDO:0800444.

Allele frequency attached by ClinVar (database versions not stated): gnomAD exomes below 0.00001.
gnomAD v4.1: 2 of 1,614,132 alleles (0.00012%); highest among the groups gnomAD compares: Non-Finnish European, 0.00017%; no homozygotes.

Submission:

Labcorp Genetics (formerly Invitae), Labcorp
Classification: Uncertain significance for Birt-Hogg-Dube syndrome. Last evaluated: 2025-12-10. Review status: criteria provided, single submitter. Criteria: Invitae Variant Classification Sherloc (09022015). Collection method: clinical testing. Allele origin: germline.
Comment: This sequence change replaces alanine, which is neutral and non-polar, with serine, which is neutral and polar, at codon 67 of the FLCN protein (p.Ala67Ser). This variant is not present in population databases (gnomAD no frequency). This variant has not been reported in the literature in individuals affected with FLCN-related conditions. ClinVar contains an entry for this variant (Variation ID: 1394436). Invitae Evidence Modeling of protein sequence and biophysical properties (such as structural, functional, and spatial information, amino acid conservation, physicochemical variation, residue mobility, and thermodynamic stability) indicates that this missense variant is not expected to disrupt FLCN protein function with a negative predictive value of 80%. In summary, the available evidence is currently insufficient to determine the role of this variant in disease. Therefore, it has been classified as a Variant of Uncertain Significance.

NM_144997.7(FLCN):c.199G>T (p.Ala67Ser)

Gene: FLCN (folliculin; minus strand). Cytogenetic location: 17p11.2.
Variant type: single nucleotide variant.
Coding change: c.199G>T on transcript NM_144997.7 (MANE Select); coding-DNA position 199, G replaced by T.
Protein change: p.Ala67Ser; replaces alanine 67 with serine.
Molecular consequence: missense variant.
Genome position (GRCh38, 1-based): chr17:17,227,939, C>A on the plus strand (G>T on the coding strand, the complement: FLCN is on the minus strand). VCF-style: chr17-17227939-C-A. GRCh37 (hg19) VCF-style: chr17-17131253-C-A.
Other names: c.199G>T, p.Ala67Ser (NM_001353229.2, NM_001353230.2, NM_001353231.2 and 1 more transcripts); short protein forms A67S.
Identifiers: ClinVar variation 1394436 (VCV001394436.6), dbSNP rs2145041193, ClinGen allele CA398535118.